The following is an entry in ClinVar:

ClinVar aggregate classification (germline): Likely benign (1 of 4 stars; one submission).

Submission:

CeGaT Center for Human Genetics Tuebingen
Classification: Likely benign. Last evaluated: 2025-01-01. Review status: criteria provided, single submitter. Criteria: CeGaT Center For Human Genetics Tuebingen Variant Classification Criteria Version 2. Collection method: clinical testing. Allele origin: germline. Affected: yes. Observed: 1 variant allele.
Comment: TCP10L2: PM2:Supporting, BP4, BP7

NC_000006.12:g.167178419G>A

Variant type: single nucleotide variant.
Genome position: GRCh38 VCF-style: chr6-167178419-G-A. GRCh37 (hg19) VCF-style: chr6-167591907-G-A.
Identifiers: ClinVar variation 3772231 (VCV003772231.13).